The following is an entry in ClinVar:

ClinVar aggregate classification (germline): Likely pathogenic (1 of 4 stars; one submission).

Conditions:
Intellectual developmental disorder, X-linked, syndromic, Claes-Jensen type. Also called: Syndromic X-linked intellectual disability Claes-Jensen type; INTELLECTUAL DEVELOPMENTAL DISORDER, X-LINKED, SYNDROMIC 16; MENTAL RETARDATION, X-LINKED, SYNDROMIC 16. Identifiers: Orphanet 85279, MedGen C1845243, MONDO:0010355, OMIM 300534.

Submission:

Victorian Clinical Genetics Services, Murdoch Childrens Research Institute
Classification: Likely pathogenic for Intellectual developmental disorder, X-linked, syndromic, Claes-Jensen type. Last evaluated: 2024-10-09. Review status: criteria provided, single submitter. Criteria: ACMG Guidelines, 2015. Collection method: clinical testing. Allele origin: germline. Affected: yes.
Comment: This variant is classified as Likely pathogenic. Evidence in support of pathogenic classification: Canonical splice site variant without proven consequence on splicing (no functional evidence available); Variant is absent from gnomAD (v2, v3 and v4); Abnormal splicing is predicted by in silico tool and affected nucleotide is highly conserved. Additional information: This variant is heterozygous; This gene is associated with X-linked disease. Females heterozygous for familial variants have been reported to be mildly affected. While de novo heterozygous females tend to be syndromic and more severely affected (PMIDs: 32279304, 36553533); This variant has no previous evidence of pathogenicity; No published segregation evidence has been identified for this variant; No published functional evidence has been identified for this variant; No comparable splice site variants have previous evidence for pathogenicity; Loss of function is a known mechanism of disease in this gene and is associated with intellectual developmental disorder, X-linked syndromic, Claes-Jensen type (MIM#300534); Variants in this gene are known to have variable expressivity. Intrafamilial and interfamilial variability have been reported (PMID: 16541399); Inheritance information for this variant is not currently available in this individual.

Literature cited by the submitters: PubMed 16541399; PubMed 32279304; PubMed 36553533.

NM_004187.5(KDM5C):c.964-1G>T

Gene: KDM5C (lysine demethylase 5C; minus strand). Cytogenetic location: Xp11.22.
Variant type: single nucleotide variant.
Coding change: c.964-1G>T on transcript NM_004187.5 (MANE Select); the canonical splice acceptor site of the intron before coding-DNA position 964, G replaced by T.
Molecular consequence: splice acceptor variant.
Genome position (GRCh38, 1-based): chrX:53,214,848, C>A on the plus strand (G>T on the coding strand, the complement: KDM5C is on the minus strand). VCF-style: chrX-53214848-C-A. GRCh37 (hg19) VCF-style: chrX-53244030-C-A.
Other names: c.961-1G>T (NM_001353982.2, NM_001353979.2, NM_001282622.3); c.964-1G>T (NM_001353981.2, NM_001353984.2, NM_001353978.3); c.763-1G>T (NM_001146702.2).
Identifiers: ClinVar variation 4531329 (VCV004531329.1).